The following is an entry in ClinVar:

NM_001142800.2(EYS):c.2936A>C (p.Glu979Ala)

Gene: EYS (EGF-like photoreceptor maintenance factor; minus strand). Cytogenetic location: 6q12.
Variant type: single nucleotide variant.
Coding change: c.2936A>C on transcript NM_001142800.2 (MANE Select); coding-DNA position 2936, A replaced by C.
Protein change: p.Glu979Ala; replaces glutamic acid 979 with alanine.
Molecular consequence: missense variant.
Genome position (GRCh38, 1-based): chr6:64,886,753, T>G on the plus strand (A>C on the coding strand, the complement: EYS is on the minus strand). VCF-style: chr6-64886753-T-G. GRCh37 (hg19) VCF-style: chr6-65596646-T-G.
Other names: c.2936A>C, p.Glu979Ala (NM_001292009.2); c.2936A>C (NM_001142800.1); short protein forms E979A.
Identifiers: ClinVar variation 990482 (VCV000990482.6), dbSNP rs372948826, ClinGen allele CA140377017.

ClinVar aggregate classification (germline): Uncertain significance. Review status: criteria provided, multiple submitters, no conflicts (2 of 4 stars). 5 submissions from 5 submitters: Uncertain significance (4). 1 of the submissions does not count toward it. Last evaluated 2026-06-02.

Conditions:
Inborn genetic diseases. Identifiers: MedGen C0950123, MeSH D030342.
Retinitis pigmentosa 25 (RP25). Identifiers: Orphanet 791, MedGen C1864446, MONDO:0011272, OMIM 602772.
EYS-related disorder. Also called: EYS-related condition.
Autosomal recessive retinitis pigmentosa. Identifiers: MedGen C0339526.

Allele frequency attached by ClinVar (database versions not stated): gnomAD exomes below 0.00001 and 0.00001; gnomAD 0.00001; TOPMed 0.00001.
gnomAD v4.1: 9 of 1,547,962 alleles (0.00058%); highest among the groups gnomAD compares: East Asian, 0.0098%; no homozygotes.

Submissions (5):

PreventionGenetics, part of Exact Sciences
Classification: Uncertain significance for EYS-related condition. Last evaluated: 2026-06-02. Review status: criteria provided, single submitter. Criteria: ACMG Guidelines, 2015. Collection method: clinical testing. Allele origin: germline.
Comment: The EYS c.2936A>C variant is predicted to result in the amino acid substitution p.Glu979Ala. To our knowledge, this variant has not been reported in the literature. This variant is reported in 0.0094% of alleles in individuals of East Asian descent in gnomAD. At this time, the clinical significance of this variant is uncertain due to the absence of conclusive functional and genetic evidence.

Ambry Genetics
Classification: Uncertain significance for Inborn genetic diseases. Last evaluated: 2023-08-04. Review status: criteria provided, single submitter. Criteria: Ambry Variant Classification Scheme 2023. Collection method: clinical testing. Allele origin: germline.

Fulgent Genetics
Classification: Uncertain significance for Retinitis pigmentosa 25. Last evaluated: 2021-12-27. Review status: criteria provided, single submitter. Criteria: ACMG Guidelines, 2015. Collection method: clinical testing. Allele origin: unknown.

Blueprint Genetics
Classification: Uncertain significance. Last evaluated: 2021-10-15. Review status: criteria provided, single submitter. Criteria: ACMG Guidelines, 2015. Collection method: clinical testing. Allele origin: germline.

Natera, Inc.
Classification: Uncertain significance for Autosomal recessive retinitis pigmentosa. Last evaluated: 2020-10-30. Review status: no assertion criteria provided. Collection method: clinical testing. Allele origin: germline. Not counted in ClinVar's aggregate classification.